The following is an entry in ClinVar:

ClinVar aggregate classification (germline): Uncertain significance (1 of 4 stars; one submission).

Conditions:
CHARGE syndrome (CHARGE). Also called: Hittner Hirsch Kreh syndrome; Coloboma, heart anomaly, choanal atresia, retardation, genital and ear anomalies; CHARGE association; Hall-Hittner syndrome; CHARGE ASSOCIATION--COLOBOMA, HEART ANOMALY, CHOANAL ATRESIA, RETARDATION, GENITAL AND EAR ANOMALIES. Identifiers: Orphanet 138, MedGen C0265354, MONDO:0008965.

Submission:

Labcorp Genetics (formerly Invitae), Labcorp
Classification: Uncertain significance for CHARGE syndrome. Last evaluated: 2019-11-14. Review status: criteria provided, single submitter. Criteria: Invitae Variant Classification Sherloc (09022015). Collection method: clinical testing. Allele origin: germline.
Comment: This sequence change replaces serine with glycine at codon 370 of the CHD7 protein (p.Ser370Gly). The serine residue is highly conserved and there is a small physicochemical difference between serine and glycine. This variant is not present in population databases (ExAC no frequency). This variant has not been reported in the literature in individuals with CHD7-related conditions. Algorithms developed to predict the effect of missense changes on protein structure and function (SIFT, PolyPhen-2, Align-GVGD) all suggest that this variant is likely to be tolerated, but these predictions have not been confirmed by published functional studies and their clinical significance is uncertain. In summary, the available evidence is currently insufficient to determine the role of this variant in disease. Therefore, it has been classified as a Variant of Uncertain Significance.

NM_017780.4(CHD7):c.1108A>G (p.Ser370Gly)

Gene: CHD7 (chromodomain helicase DNA binding protein 7; plus strand). Cytogenetic location: 8q12.2.
Variant type: single nucleotide variant.
Coding change: c.1108A>G on transcript NM_017780.4 (MANE Select); coding-DNA position 1108, A replaced by G.
Protein change: p.Ser370Gly; replaces serine 370 with glycine.
Molecular consequence: missense variant.
Genome position (GRCh38, 1-based): chr8:60,742,540, A>G. VCF-style: chr8-60742540-A-G. GRCh37 (hg19) VCF-style: chr8-61655099-A-G.
Other names: c.1108A>G, p.Ser370Gly (NM_001316690.1); short protein forms S370G.
Identifiers: ClinVar variation 967161 (VCV000967161.9), dbSNP rs1809098477, ClinGen allele CA371301385.